The following is an entry in ClinVar:

NM_001003800.2(BICD2):c.1564G>A (p.Val522Met)

Gene: BICD2 (BICD cargo adaptor 2; minus strand). Cytogenetic location: 9q22.31.
Variant type: single nucleotide variant.
Coding change: c.1564G>A on transcript NM_001003800.2 (MANE Select); coding-DNA position 1564, G replaced by A.
Protein change: p.Val522Met; replaces valine 522 with methionine.
Molecular consequence: missense variant.
Genome position (GRCh38, 1-based): chr9:92,719,081, C>T on the plus strand (G>A on the coding strand, the complement: BICD2 is on the minus strand). VCF-style: chr9-92719081-C-T. GRCh37 (hg19) VCF-style: chr9-95481363-C-T.
Other names: c.1564G>A, p.Val522Met (NM_015250.4); short protein forms V522M.
Identifiers: ClinVar variation 849731 (VCV000849731.10), dbSNP rs1853397128, ClinGen allele CA374037251.

ClinVar aggregate classification (germline): Uncertain significance (1 of 4 stars; one submission).

Conditions:
Autosomal dominant childhood-onset proximal spinal muscular atrophy with contractures (SMALED2A). Also called: SPINAL MUSCULAR ATROPHY, LOWER EXTREMITY-PREDOMINANT, 2A, CHILDHOOD ONSET, AUTOSOMAL DOMINANT; Spinal muscular atrophy, lower extremity-predominant, 2A, autosomal dominant. Identifiers: Orphanet 363447, Orphanet 363454, MedGen C4747715, MONDO:0014121, OMIM 615290.

Allele frequency attached by ClinVar (database versions not stated): gnomAD exomes 0.00002.
gnomAD v4.1: 22 of 1,613,102 alleles (0.0014%); highest among the groups gnomAD compares: Non-Finnish European, 0.0019%; no homozygotes.

Submission:

Labcorp Genetics (formerly Invitae), Labcorp
Classification: Uncertain significance for Autosomal dominant childhood-onset proximal spinal muscular atrophy with contractures. Last evaluated: 2024-09-03. Review status: criteria provided, single submitter. Criteria: Invitae Variant Classification Sherloc (09022015). Collection method: clinical testing. Allele origin: germline.
Comment: This sequence change replaces valine, which is neutral and non-polar, with methionine, which is neutral and non-polar, at codon 522 of the BICD2 protein (p.Val522Met). This variant is not present in population databases (gnomAD no frequency). This variant has not been reported in the literature in individuals affected with BICD2-related conditions. ClinVar contains an entry for this variant (Variation ID: 849731). Invitae Evidence Modeling of protein sequence and biophysical properties (such as structural, functional, and spatial information, amino acid conservation, physicochemical variation, residue mobility, and thermodynamic stability) indicates that this missense variant is not expected to disrupt BICD2 protein function with a negative predictive value of 80%. In summary, the available evidence is currently insufficient to determine the role of this variant in disease. Therefore, it has been classified as a Variant of Uncertain Significance.